The following is an entry in ClinVar:

NC_000007.13:g.(?_157151267)_(157208792_?)dup

Gene: DNAJB6 (DnaJ heat shock protein family (Hsp40) member B6; plus strand). Cytogenetic location: 7q36.3.
Variant type: Duplication.
Identifiers: ClinVar variation 1376728 (VCV001376728.7).

ClinVar aggregate classification (germline): Uncertain significance (1 of 4 stars; one submission).

Conditions:
Autosomal dominant limb-girdle muscular dystrophy type 1D (DNAJB6) (LGMDD1). Also called: MUSCULAR DYSTROPHY, LIMB-GIRDLE, TYPE 1D; Autosomal dominant limb-girdle muscular dystrophy type 1D; Muscular dystrophy, limb-girdle, autosomal dominant 1; MUSCULAR DYSTROPHY, AUTOSOMAL DOMINANT, WITH RIMMED VACUOLES. Identifiers: Orphanet 34516, MedGen C4721885, MONDO:0021018, OMIM 603511.

Submission:

Labcorp Genetics (formerly Invitae), Labcorp
Classification: Uncertain significance for Autosomal dominant limb-girdle muscular dystrophy type 1D (DNAJB6). Last evaluated: 2023-06-20. Review status: criteria provided, single submitter. Criteria: Invitae Variant Classification Sherloc (09022015). Collection method: clinical testing. Allele origin: germline.
Comment: A copy number gain of the genomic region encompassing the full coding sequence of the DNAJB6 gene has been identified. The boundaries of this event are unknown as they extend beyond the assayed region for this gene and therefore may encompass additional genes. As the precise location of this event is unknown, it may be in tandem or it may be located elsewhere in the genome. In summary, the available evidence is currently insufficient to determine the role of this variant in disease. Therefore, it has been classified as a Variant of Uncertain Significance. This variant has not been reported in the literature in individuals affected with DNAJB6-related conditions.